The following is an entry in ClinVar:

ClinVar aggregate classification (germline): Uncertain significance (1 of 4 stars; one submission).

Submission:

GeneDx
Classification: Uncertain significance. Last evaluated: 2017-07-12. Review status: criteria provided, single submitter. Criteria: GeneDx Variant Classification (06012015). Collection method: clinical testing. Allele origin: germline. Affected: yes.
Comment: The P216L variant has not been published as pathogenic or benign to our knowledge. The P216L variant has not been observed in large population cohorts (Lek et al., 2016; McVean et al., 2012; Exome Variant Server). This variant is a semi-conservative amino acid substitution, which may or may not impact secondary protein structure as these residues differ in some properties. Although in silico analysis predicts the P216L variant is probably damaging to the protein structure/function, this substitution occurs at a position that is not conserved. Thus, this variant lacks observation in a significant number of affected individuals, informative segregation data and functional evidence, which would further clarify its pathogenicity.

NM_174934.4(SCN4B):c.647C>T (p.Pro216Leu)

Gene: SCN4B (sodium voltage-gated channel beta subunit 4; minus strand). Cytogenetic location: 11q23.3.
Variant type: single nucleotide variant.
Coding change: c.647C>T on transcript NM_174934.4 (MANE Select); coding-DNA position 647, C replaced by T.
Protein change: p.Pro216Leu; replaces proline 216 with leucine.
Molecular consequence: missense variant. On other transcripts: non-coding transcript variant (1).
Genome position (GRCh38, 1-based): chr11:118,137,067, G>A on the plus strand (C>T on the coding strand, the complement: SCN4B is on the minus strand). VCF-style: chr11-118137067-G-A. GRCh37 (hg19) VCF-style: chr11-118007782-G-A.
Other names: c.245C>T, p.Pro82Leu (NM_001142348.2); c.317C>T, p.Pro106Leu (NM_001142349.2); short protein forms P216L, P106L, P82L.
Identifiers: ClinVar variation 388207 (VCV000388207.2), dbSNP rs1001219641, ClinGen allele CA16606157.